The following is an entry in ClinVar:

NM_002303.6(LEPR):c.3439A>G (p.Thr1147Ala)

Gene: LEPR (leptin receptor; plus strand). Cytogenetic location: 1p31.3.
Variant type: single nucleotide variant.
Coding change: c.3439A>G on transcript NM_002303.6 (MANE Select); coding-DNA position 3439, A replaced by G.
Protein change: p.Thr1147Ala; replaces threonine 1147 with alanine.
Molecular consequence: missense variant.
Genome position (GRCh38, 1-based): chr1:65,636,956, A>G. VCF-style: chr1-65636956-A-G. GRCh37 (hg19) VCF-style: chr1-66102639-A-G.
Other names: short protein forms T1147A.
Identifiers: ClinVar variation 3355425 (VCV003355425.1).

ClinVar aggregate classification (germline): Uncertain significance (0 of 4 stars; one submission).

Conditions:
LEPR-related disorder. Also called: LEPR-related condition; LEPR-related disorders.

Submission:

PreventionGenetics, part of Exact Sciences
Classification: Uncertain significance for LEPR-related condition. Last evaluated: 2024-08-14. Review status: no assertion criteria provided. Collection method: clinical testing. Allele origin: germline.
Comment: The LEPR c.3439A>G variant is predicted to result in the amino acid substitution p.Thr1147Ala. To our knowledge, this variant has not been reported in the literature or in a large population database, indicating this variant is rare. At this time, the clinical significance of this variant is uncertain due to the absence of conclusive functional and genetic evidence.